The following is an entry in ClinVar:

NM_033305.3(VPS13A):c.7811G>A (p.Arg2604His)

Gene: VPS13A (vacuolar protein sorting 13 homolog A; plus strand). Cytogenetic location: 9q21.2.
Variant type: single nucleotide variant.
Coding change: c.7811G>A on transcript NM_033305.3 (MANE Select); coding-DNA position 7811, G replaced by A.
Protein change: p.Arg2604His; replaces arginine 2604 with histidine.
Molecular consequence: missense variant.
Genome position (GRCh38, 1-based): chr9:77,357,696, G>A. VCF-style: chr9-77357696-G-A. GRCh37 (hg19) VCF-style: chr9-79972612-G-A.
Other names: c.7694G>A, p.Arg2565His (NM_001018037.2); c.7811G>A, p.Arg2604His (NM_001018038.3, NM_015186.4); short protein forms R2604H, R2565H.
Identifiers: ClinVar variation 367417 (VCV000367417.8), dbSNP rs762985818, ClinGen allele CA5093457.

ClinVar aggregate classification (germline): Uncertain significance. Review status: criteria provided, multiple submitters, no conflicts (2 of 4 stars). 4 submissions from 4 submitters: Uncertain significance (3). 1 of the submissions does not count toward it. Last evaluated 2026-03-27.

Conditions:
VPS13A-related neurodegenerative disease. Also called: VPS13A Disease; LEVINE-CRITCHLEY SYNDROME; Choreoacanthocytosis; Chorea-acanthocytosis; Choreaacanthocytosis; ACANTHOCYTOSIS WITH NEUROLOGIC DISORDER. Identifiers: Orphanet 2388, MedGen C0393576, MONDO:0008695, OMIM 200150.

Allele frequency attached by ClinVar (database versions not stated): gnomAD 0.00001; gnomAD exomes 0.00001 and 0.00002; TOPMed 0.00002; ExAC 0.00003.
gnomAD v4.1: 15 of 1,613,398 alleles (0.00093%); highest among the groups gnomAD compares: South Asian, 0.0022%; no homozygotes.

Submissions (4):

GeneDx
Classification: Uncertain significance. Last evaluated: 2026-03-27. Review status: criteria provided, single submitter. Criteria: GeneDx Variant Classification Process June 2021. Collection method: clinical testing. Allele origin: germline.
Comment: In silico analysis suggests that this missense variant does not alter protein structure/function; Has not been previously published as pathogenic or benign to our knowledge

Labcorp Genetics (formerly Invitae), Labcorp
Classification: Uncertain significance. Last evaluated: 2022-04-21. Review status: criteria provided, single submitter. Criteria: Invitae Variant Classification Sherloc (09022015). Collection method: clinical testing. Allele origin: germline.
Comment: This sequence change replaces arginine, which is basic and polar, with histidine, which is basic and polar, at codon 2604 of the VPS13A protein (p.Arg2604His). This variant is present in population databases (rs762985818, gnomAD 0.03%). This variant has not been reported in the literature in individuals affected with VPS13A-related conditions. ClinVar contains an entry for this variant (Variation ID: 367417). Algorithms developed to predict the effect of missense changes on protein structure and function (SIFT, PolyPhen-2, Align-GVGD) all suggest that this variant is likely to be tolerated. In summary, the available evidence is currently insufficient to determine the role of this variant in disease. Therefore, it has been classified as a Variant of Uncertain Significance.

Illumina Laboratory Services, Illumina
Classification: Uncertain significance for VPS13A-related neurodegenerative disease. Last evaluated: 2018-01-13. Review status: criteria provided, single submitter. Criteria: ICSL Variant Classification Criteria 13 December 2019. Collection method: clinical testing. Allele origin: germline.

Counsyl
Classification: Uncertain significance for VPS13A-related neurodegenerative disease. Last evaluated: 2018-03-24. Review status: no assertion criteria provided. Collection method: clinical testing. Allele origin: unknown. Not counted in ClinVar's aggregate classification.